The following is an entry in ClinVar:

NM_002692.4(POLE2):c.628A>G (p.Lys210Glu)

Gene: POLE2 (DNA polymerase epsilon 2, accessory subunit; minus strand). Cytogenetic location: 14q21.3.
Variant type: single nucleotide variant.
Coding change: c.628A>G on transcript NM_002692.4 (MANE Select); coding-DNA position 628, A replaced by G.
Protein change: p.Lys210Glu; replaces lysine 210 with glutamic acid.
Molecular consequence: missense variant.
Genome position (GRCh38, 1-based): chr14:49,665,112, T>C on the plus strand (A>G on the coding strand, the complement: POLE2 is on the minus strand). VCF-style: chr14-49665112-T-C. GRCh37 (hg19) VCF-style: chr14-50131830-T-C.
Other names: c.550A>G, p.Lys184Glu (NM_001197330.2); c.628A>G, p.Lys210Glu (NM_001197331.3, NM_001348384.2); c.397A>G, p.Lys133Glu (NM_001348385.2); short protein forms K133E, K210E, K184E.
Identifiers: ClinVar variation 2818212 (VCV002818212.3), dbSNP rs778970856, ClinGen allele CA7173541.
Genomic context (GRCh38, chr14:49,665,112, plus strand): 5'-ATTTCCCCAATTCACGTAATGCAGATTTTAAAAAATACAGACAAGTGAAGGATATAGCTT[T>C]ACTAAGGTCTAGTTGGACTGTTCCAGTAGGATCTTCCAGAAAAAATTTTCCCTAAAAAAA-3'
Protein context (NP_002683.2, residues 200-220): PTGTVQLDLS[Lys210Glu]AQFHSGLYTE

ClinVar aggregate classification (germline): Uncertain significance (1 of 4 stars; one submission).

Allele frequency attached by ClinVar (database versions not stated): gnomAD exomes below 0.00001; TOPMed below 0.00001; ExAC 0.00001; gnomAD 0.00001.
gnomAD v4.1: 3 of 1,368,366 alleles (0.00022%); highest among the groups gnomAD compares: African/African-American, 0.0029%; no homozygotes.

Submission:

Labcorp Genetics (formerly Invitae), Labcorp
Classification: Uncertain significance. Last evaluated: 2024-02-14. Review status: criteria provided, single submitter. Criteria: Invitae Variant Classification Sherloc (09022015). Collection method: clinical testing. Allele origin: germline.
Comment: This sequence change replaces lysine, which is basic and polar, with glutamic acid, which is acidic and polar, at codon 210 of the POLE2 protein (p.Lys210Glu). The frequency data for this variant in the population databases is considered unreliable, as metrics indicate poor data quality at this position in the gnomAD database. This variant has not been reported in the literature in individuals affected with POLE2-related conditions. An algorithm developed to predict the effect of missense changes on protein structure and function (PolyPhen-2) suggests that this variant is likely to be tolerated. In summary, the available evidence is currently insufficient to determine the role of this variant in disease. Therefore, it has been classified as a Variant of Uncertain Significance.